The following is an entry in ClinVar:

NM_002878.4(RAD51D):c.157C>T (p.Leu53=)

Genes: RAD51D (RAD51 paralog D; minus strand), RAD51L3-RFFL (RAD51L3-RFFL readthrough; minus strand). Cytogenetic location: 17q12.
Variant type: single nucleotide variant.
Coding change: c.157C>T on transcript NM_002878.4 (MANE Select); coding-DNA position 157, C replaced by T.
Protein change: p.Leu53=; no amino-acid change (leucine 53 retained).
Molecular consequence: synonymous variant. On other transcripts: intron variant (2).
Genome position (GRCh38, 1-based): chr17:35,118,607, G>A on the plus strand (C>T on the coding strand, the complement: RAD51D is on the minus strand). VCF-style: chr17-35118607-G-A. GRCh37 (hg19) VCF-style: chr17-33445626-G-A.
Other names: c.144+504C>T (NM_133629.3, NM_001142571.2).
Identifiers: ClinVar variation 1775651 (VCV001775651.6), dbSNP rs2091778688, ClinGen allele CA983261538.

ClinVar aggregate classification (germline): Benign/Likely benign. Review status: criteria provided, multiple submitters, no conflicts (2 of 4 stars). 3 submissions from 3 submitters: Benign (1); Likely benign (2). Last evaluated 2025-02-20.

Conditions:
Hereditary cancer-predisposing syndrome. Also called: Neoplastic Syndromes, Hereditary; Tumor predisposition; Hereditary Cancer Syndrome; Hereditary neoplastic syndrome. Identifiers: Orphanet 140162, MedGen C0027672, MeSH D009386, MONDO:0015356.
Breast-ovarian cancer, familial, susceptibility to, 4. Identifiers: Orphanet 145, MedGen C3280345, MONDO:0013669, OMIM 614291.

Allele frequency attached by ClinVar (database versions not stated): gnomAD 0.00001; TOPMed 0.00001.

Submissions (3):

Myriad Genetics, Inc.
Classification: Benign for Breast-ovarian cancer, familial, susceptibility to, 4. Last evaluated: 2025-02-20. Review status: criteria provided, single submitter. Criteria: Myriad Autosomal Dominant, Autosomal Recessive and X-Linked Classification Criteria (2023). Collection method: clinical testing. Allele origin: unknown.
Comment: This variant is considered benign. This variant is a silent/synonymous amino acid change and it is not expected to impact splicing.

Labcorp Genetics (formerly Invitae), Labcorp
Classification: Likely benign for Breast-ovarian cancer, familial, susceptibility to, 4. Last evaluated: 2023-08-30. Review status: criteria provided, single submitter. Criteria: Invitae Variant Classification Sherloc (09022015). Collection method: clinical testing. Allele origin: germline.

Ambry Genetics
Classification: Likely benign for Hereditary cancer-predisposing syndrome. Last evaluated: 2019-02-15. Review status: criteria provided, single submitter. Criteria: Ambry Variant Classification Scheme 2023. Collection method: clinical testing. Allele origin: germline.